The following is an entry in ClinVar:

NM_004360.5(CDH1):c.163+1G>C

Gene: CDH1 (cadherin 1; plus strand). Cytogenetic location: 16q22.1.
Variant type: single nucleotide variant.
Coding change: c.163+1G>C on transcript NM_004360.5 (MANE Select); the canonical splice donor site of the intron after coding-DNA position 163, G replaced by C.
Molecular consequence: splice donor variant.
Genome position (GRCh38, 1-based): chr16:68,738,412, G>C. VCF-style: chr16-68738412-G-C. GRCh37 (hg19) VCF-style: chr16-68772315-G-C.
Other names: c.-1453+1G>C (NM_001317185.2); c.-1657+1G>C (NM_001317186.2); c.163+1G>C (NM_001317184.2).
Identifiers: ClinVar variation 3904282 (VCV003904282.1).
Genomic context (GRCh38, chr16:68,738,412, plus strand): 5'-AGAGCTACACGTTCACGGTGCCCCGGCGCCACCTGGAGAGAGGCCGCGTCCTGGGCAGAG[G>C]TGAGGGCGCGCTGCCGGTGTCCCTGGGCGGAGTAGGGAGGGGTTGGAAAGGGGCCGAGAA-3'

ClinVar aggregate classification (germline): Likely pathogenic (1 of 4 stars; one submission).

Conditions:
Hereditary diffuse gastric adenocarcinoma (HDGC). Also called: DIFFUSE GASTRIC AND LOBULAR BREAST CANCER SYNDROME. Identifiers: Orphanet 26106, MedGen C1708349, MONDO:0007648, OMIM 137215.

Submission:

Myriad Genetics, Inc.
Classification: Likely pathogenic for Hereditary diffuse gastric adenocarcinoma. Last evaluated: 2024-12-30. Review status: criteria provided, single submitter. Criteria: Myriad Autosomal Dominant, Autosomal Recessive and X-Linked Classification Criteria (2023). Collection method: clinical testing. Allele origin: unknown.
Comment: This variant is considered likely pathogenic. This variant occurs within a consensus splice junction and is predicted to result in abnormal mRNA splicing of either an out-of-frame exon or an in-frame exon necessary for protein stability and/or normal function.